The following is an entry in ClinVar:

NM_000210.4(ITGA6):c.1854+7C>G

Genes: ITGA6 (integrin subunit alpha 6; plus strand), PDK1-AS1 (PDK1 and ITGA6 antisense RNA 1; minus strand). Cytogenetic location: 2q31.1.
Variant type: single nucleotide variant.
Coding change: c.1854+7C>G on transcript NM_000210.4 (MANE Select); 7 bases into the intron after coding-DNA position 1854, C replaced by G.
Molecular consequence: intron variant.
Genome position (GRCh38, 1-based): chr2:172,485,271, C>G. VCF-style: chr2-172485271-C-G. GRCh37 (hg19) VCF-style: chr2-173349999-C-G.
Other names: c.1497+7C>G (NM_001316306.2); c.1971+7C>G (NM_001394928.1); c.1854+7C>G (NM_001079818.3, NM_001365530.2, NM_001365529.2 and 1 more transcripts).
Identifiers: ClinVar variation 2856991 (VCV002856991.5), dbSNP rs374182150, ClinGen allele CA1968231.

ClinVar aggregate classification (germline): Likely benign. Review status: criteria provided, multiple submitters, no conflicts (2 of 4 stars). 3 submissions from 3 submitters: Likely benign (3). Last evaluated 2026-01-24.

Conditions:
ITGA6-related disorder. Also called: ITGA6-related condition.

Allele frequency attached by ClinVar (database versions not stated): gnomAD exomes 0.00005; ExAC 0.00010; 1000 Genomes Project 0.00020; 1000 Genomes Project 30x 0.00031; ESP Exome Variant Server 0.00038; gnomAD 0.00038; TOPMed 0.00039.
gnomAD v4.1: 130 of 1,613,702 alleles (0.0081%); highest among the groups gnomAD compares: African/African-American, 0.14%; no homozygotes.

Submissions (3):

Labcorp Genetics (formerly Invitae), Labcorp
Classification: Likely benign. Last evaluated: 2026-01-24. Review status: criteria provided, single submitter. Criteria: Invitae Variant Classification Sherloc (09022015). Collection method: clinical testing. Allele origin: germline.

PreventionGenetics, part of Exact Sciences
Classification: Likely benign for ITGA6-related condition. Last evaluated: 2024-10-27. Review status: criteria provided, single submitter. Criteria: ACMG Guidelines, 2015. Collection method: clinical testing. Allele origin: germline.
Comment: This variant is classified as likely benign based on ACMG/AMP sequence variant interpretation guidelines (Richards et al. 2015 PMID: 25741868, with internal and published modifications).

Blueprint Genetics
Classification: Likely benign. Last evaluated: 2019-12-20. Review status: criteria provided, single submitter. Criteria: ACMG Guidelines, 2015. Collection method: clinical testing. Allele origin: germline.